The following is an entry in ClinVar:

NM_018557.3(LRP1B):c.6493C>T (p.Arg2165Trp)

Gene: LRP1B (LDL receptor related protein 1B; minus strand). Cytogenetic location: 2q22.1.
Variant type: single nucleotide variant.
Coding change: c.6493C>T on transcript NM_018557.3 (MANE Select); coding-DNA position 6493, C replaced by T.
Protein change: p.Arg2165Trp; replaces arginine 2165 with tryptophan.
Molecular consequence: missense variant.
Genome position (GRCh38, 1-based): chr2:140,700,556, G>A on the plus strand (C>T on the coding strand, the complement: LRP1B is on the minus strand). VCF-style: chr2-140700556-G-A. GRCh37 (hg19) VCF-style: chr2-141458125-G-A.
Other names: short protein forms R2165W.
Identifiers: ClinVar variation 3037720 (VCV003037720.2), dbSNP rs369842040, ClinGen allele CA1894559.

ClinVar aggregate classification (germline): Likely benign (0 of 4 stars; one submission).

Conditions:
LRP1B-related disorder. Also called: LRP1B-related condition.

Allele frequency attached by ClinVar (database versions not stated): TOPMed 0.00011; gnomAD 0.00013; 1000 Genomes Project 30x 0.00016; 1000 Genomes Project 0.00020; ESP Exome Variant Server 0.00008; gnomAD exomes 0.00010; ExAC 0.00022.
gnomAD v4.1: 164 of 1,613,480 alleles (0.01%); highest among the groups gnomAD compares: East Asian, 0.25%; no homozygotes.

Submission:

PreventionGenetics, part of Exact Sciences
Classification: Likely benign for LRP1B-related condition. Last evaluated: 2022-05-20. Review status: no assertion criteria provided. Collection method: clinical testing. Allele origin: germline.
Comment: This variant is classified as likely benign based on ACMG/AMP sequence variant interpretation guidelines (Richards et al. 2015 PMID: 25741868, with internal and published modifications).